The following is an entry in ClinVar:

NM_198525.3(KIF7):c.3955G>A (p.Gly1319Arg)

Gene: KIF7 (kinesin family member 7; minus strand). Cytogenetic location: 15q26.1.
Variant type: single nucleotide variant.
Coding change: c.3955G>A on transcript NM_198525.3 (MANE Select); coding-DNA position 3955, G replaced by A.
Protein change: p.Gly1319Arg; replaces glycine 1319 with arginine.
Molecular consequence: missense variant.
Genome position (GRCh38, 1-based): chr15:89,628,496, C>T on the plus strand (G>A on the coding strand, the complement: KIF7 is on the minus strand). VCF-style: chr15-89628496-C-T. GRCh37 (hg19) VCF-style: chr15-90171727-C-T.
Other names: short protein forms G1319R.
Identifiers: ClinVar variation 1998363 (VCV001998363.3), dbSNP rs749499441, ClinGen allele CA7727470.

ClinVar aggregate classification (germline): Uncertain significance (1 of 4 stars; one submission).

Conditions:
Acrocallosal syndrome (ACLS). Also called: HALLUX DUPLICATION, POSTAXIAL POLYDACTYLY, AND ABSENCE OF CORPUS CALLOSUM; Schinzel syndrome 1; Absence of corpus callosum with unusual facial appearance, mental deficiency, duplication of the halluces and polydactyly. Identifiers: Orphanet 36, MedGen C0796147, MONDO:0008708, OMIM 200990.

Allele frequency attached by ClinVar (database versions not stated): TOPMed below 0.00001; ExAC 0.00001; gnomAD 0.00001.
gnomAD v4.1: 2 of 1,612,584 alleles (0.00012%); highest among the groups gnomAD compares: Non-Finnish European, 0.00017%; no homozygotes.

Submission:

Labcorp Genetics (formerly Invitae), Labcorp
Classification: Uncertain significance for Acrocallosal syndrome. Last evaluated: 2026-01-03. Review status: criteria provided, single submitter. Criteria: Invitae Variant Classification Sherloc (09022015). Collection method: clinical testing. Allele origin: germline.
Comment: This sequence change replaces glycine, which is neutral and non-polar, with arginine, which is basic and polar, at codon 1319 of the KIF7 protein (p.Gly1319Arg). This variant is present in population databases (rs749499441, gnomAD 0.006%). This variant has not been reported in the literature in individuals affected with KIF7-related conditions. ClinVar contains an entry for this variant (Variation ID: 1998363). Invitae Evidence Modeling of protein sequence and biophysical properties (such as structural, functional, and spatial information, amino acid conservation, physicochemical variation, residue mobility, and thermodynamic stability) indicates that this missense variant is not expected to disrupt KIF7 protein function with a negative predictive value of 80%. In summary, the available evidence is currently insufficient to determine the role of this variant in disease. Therefore, it has been classified as a Variant of Uncertain Significance.